The following is an entry in ClinVar:

ClinVar aggregate classification (germline): Uncertain significance. Review status: criteria provided, multiple submitters, no conflicts (2 of 4 stars). 3 submissions from 3 submitters: Uncertain significance (3). Last evaluated 2024-09-30.

Conditions:
NPRL3-related disorder. Also called: NPRL3-related condition.
Epilepsy, familial focal, with variable foci 3 (FFEVF3). Identifiers: MedGen C4310708, MONDO:0014925, OMIM 617118.

Allele frequency attached by ClinVar (database versions not stated): TOPMed below 0.00001; gnomAD 0.00002; ExAC 0.00003.
gnomAD v4.1: 25 of 1,597,522 alleles (0.0016%); highest among the groups gnomAD compares: Non-Finnish European, 0.002%; no homozygotes.

Submissions (3):

Labcorp Genetics (formerly Invitae), Labcorp
Classification: Uncertain significance for Epilepsy, familial focal, with variable foci 3. Last evaluated: 2024-09-30. Review status: criteria provided, single submitter. Criteria: Invitae Variant Classification Sherloc (09022015). Collection method: clinical testing. Allele origin: germline.
Comment: This sequence change replaces arginine, which is basic and polar, with proline, which is neutral and non-polar, at codon 2 of the NPRL3 protein (p.Arg2Pro). This variant is present in population databases (rs752487586, gnomAD 0.005%). This variant has not been reported in the literature in individuals affected with NPRL3-related conditions. ClinVar contains an entry for this variant (Variation ID: 1004880). Experimental studies and prediction algorithms are not available or were not evaluated, and the functional significance of this variant is currently unknown. In summary, the available evidence is currently insufficient to determine the role of this variant in disease. Therefore, it has been classified as a Variant of Uncertain Significance.

PreventionGenetics, part of Exact Sciences
Classification: Uncertain significance for NPRL3-related condition. Last evaluated: 2023-10-09. Review status: criteria provided, single submitter. Criteria: ACMG Guidelines, 2015. Collection method: clinical testing. Allele origin: germline.
Comment: The NPRL3 c.5G>C variant is predicted to result in the amino acid substitution p.Arg2Pro. To our knowledge, this variant has not been reported in the literature. This variant is reported in 0.0049% of alleles in individuals of African descent in gnomAD. At this time, the clinical significance of this variant is uncertain due to the absence of conclusive functional and genetic evidence.

GeneDx
Classification: Uncertain significance. Last evaluated: 2022-06-27. Review status: criteria provided, single submitter. Criteria: GeneDx Variant Classification Process June 2021. Collection method: clinical testing. Allele origin: germline. Affected: yes.
Comment: In silico analysis supports that this missense variant does not alter protein structure/function; Has not been previously published as pathogenic or benign to our knowledge; This variant is associated with the following publications: (PMID: 23406172)

NM_001077350.3(NPRL3):c.5G>C (p.Arg2Pro)

Genes: HBA-LCR (alpha-globin locus control region; plus strand), NPRL3 (NPR3 like, GATOR1 complex subunit; minus strand). Cytogenetic location: 16p13.3.
Variant type: single nucleotide variant.
Coding change: c.5G>C on transcript NM_001077350.3 (MANE Select); coding-DNA position 5, G replaced by C.
Protein change: p.Arg2Pro; replaces arginine 2 with proline.
Molecular consequence: missense variant. On other transcripts: 5 prime UTR variant (2).
Genome position (GRCh38, 1-based): chr16:138,263, C>G on the plus strand (G>C on the coding strand, the complement: NPRL3 is on the minus strand). VCF-style: chr16-138263-C-G. GRCh37 (hg19) VCF-style: chr16-188262-C-G.
Other names: c.-328G>C (NM_001039476.3); c.-367G>C (NM_001243247.2); c.5G>C, p.Arg2Pro (NM_001243248.2, NM_001243249.2); short protein forms R2P.
Identifiers: ClinVar variation 1004880 (VCV001004880.10), dbSNP rs752487586, ClinGen allele CA7769817.